The following is an entry in ClinVar:

NM_004655.4(AXIN2):c.414C>T (p.Tyr138=)

Gene: AXIN2 (axin 2; minus strand). Cytogenetic location: 17q24.1.
Variant type: single nucleotide variant.
Coding change: c.414C>T on transcript NM_004655.4 (MANE Select); coding-DNA position 414, C replaced by T.
Protein change: p.Tyr138=; no amino-acid change (tyrosine 138 retained).
Molecular consequence: synonymous variant.
Genome position (GRCh38, 1-based): chr17:65,558,207, G>A on the plus strand (C>T on the coding strand, the complement: AXIN2 is on the minus strand). VCF-style: chr17-65558207-G-A. GRCh37 (hg19) VCF-style: chr17-63554325-G-A.
Other names: c.414C>T (LRG_296t1); c.414C>T, p.Tyr138= (NM_001363813.1).
Identifiers: ClinVar variation 240021 (VCV000240021.17), dbSNP rs878854730, ClinGen allele CA10583663.

ClinVar aggregate classification (germline): Conflicting classifications of pathogenicity. Review status: criteria provided, conflicting classifications (1 of 4 stars). 5 submissions from 5 submitters: Uncertain significance (2); Benign (1); Likely benign (2). Last evaluated 2026-01-11.

Conditions:
Hereditary cancer-predisposing syndrome. Also called: Neoplastic Syndromes, Hereditary; Hereditary neoplastic syndrome; Tumor predisposition; Hereditary Cancer Syndrome. Identifiers: Orphanet 140162, MedGen C0027672, MeSH D009386, MONDO:0015356.
Oligodontia-cancer predisposition syndrome. Also called: TOOTH AGENESIS-COLORECTAL CANCER SYNDROME. Identifiers: Orphanet 300576, MedGen C1837750, MONDO:0012075, OMIM 608615. Disease mechanism: loss of function.

Allele frequency attached by ClinVar (database versions not stated): gnomAD exomes 0.00001.
gnomAD v4.1: 17 of 1,614,122 alleles (0.0011%); highest among the groups gnomAD compares: Non-Finnish European, 0.0014%; no homozygotes.

Submissions (5):

Labcorp Genetics (formerly Invitae), Labcorp
Classification: Likely benign for Oligodontia-cancer predisposition syndrome. Last evaluated: 2026-01-11. Review status: criteria provided, single submitter. Criteria: Invitae Variant Classification Sherloc (09022015). Collection method: clinical testing. Allele origin: germline.

GeneDx
Classification: Uncertain significance. Last evaluated: 2024-12-04. Review status: criteria provided, single submitter. Criteria: GeneDx Variant Classification Process June 2021. Collection method: clinical testing. Allele origin: germline. Affected: yes.
Comment: Not observed at significant frequency in large population cohorts (gnomAD); In silico analysis indicates that this variant does not alter splicing; Has not been previously published as pathogenic or benign to our knowledge

Myriad Genetics, Inc.
Classification: Benign for Oligodontia-cancer predisposition syndrome. Last evaluated: 2024-06-26. Review status: criteria provided, single submitter. Criteria: Myriad Autosomal Dominant, Autosomal Recessive and X-Linked Classification Criteria (2023). Collection method: clinical testing. Allele origin: unknown.
Comment: This variant is considered benign. This variant is a silent/synonymous amino acid change and it is not expected to impact splicing.

Sema4
Classification: Uncertain significance for Hereditary cancer-predisposing syndrome. Last evaluated: 2022-03-10. Review status: criteria provided, single submitter. Criteria: Sema4 Curation Guidelines. Collection method: curation. Allele origin: germline.
Comment: The AXIN2 c.414C>T (p.Y138=) variant has not been reported in the literature to our knowledge. It was observed in 2/113766 chromosomes in the Non-Finnish European population, according to the Genome Aggregation Database (PMID: 32461654). This variant has been reported in ClinVar (Variation ID: 240021). In silico tools suggest that the affected nucleotide is conserved and that the variant does not affect splicing, though these predictions have not been confirmed by functional studies. The evidence is insufficient to meet ACMG/AMP criteria for classifying the variant as benign or pathogenic. Thus, the clinical significance of this variant is currently uncertain.

Ambry Genetics
Classification: Likely benign for Hereditary cancer-predisposing syndrome. Last evaluated: 2020-03-05. Review status: criteria provided, single submitter. Criteria: Ambry Variant Classification Scheme 2023. Collection method: clinical testing. Allele origin: germline.